The following is an entry in ClinVar:

NM_001127178.3(PIGG):c.2759_2762del (p.Cys920fs)

Gene: PIGG (phosphatidylinositol glycan anchor biosynthesis class G (EMM blood group); plus strand). Cytogenetic location: 4p16.3.
Variant type: Microsatellite.
Coding change: c.2759_2762del on transcript NM_001127178.3 (MANE Select); coding-DNA positions 2759 to 2762, 4 bases deleted (GCTT; older notation c.2759_2762delGCTT).
Protein change: p.Cys920fs; shifts the reading frame from cysteine 920.
Molecular consequence: frameshift variant. On other transcripts: non-coding transcript variant (10).
Genome position (GRCh38, 1-based): chr4:539,176-539,179, GCTT deleted; deleting any 4 consecutive bases within chr4:539,171-539,179 gives the same sequence; the c. name uses the placement nearest the transcript's 3' end. VCF-style (leftmost placement, unchanged base first): chr4-539170-ATGCT-A. GRCh37 (hg19) VCF-style: chr4-532959-ATGCT-A.
Other names: c.2492_2495del, p.Cys831fs (NM_001289051.2, NM_001345986.2); c.2360_2363del, p.Cys787fs (NM_001289052.2); c.2468_2471del, p.Cys823fs (NM_001345987.2); c.1730_1733del, p.Cys577fs (NM_001345988.2); c.1226_1229del, p.Cys409fs (NM_001345990.2, NM_001345991.2); c.1661_1664del, p.Cys554fs (NM_001345994.2); c.2735_2738del, p.Cys912fs (NM_017733.5); short protein forms C409fs, C554fs, C577fs, C787fs, C823fs, C831fs, C912fs, C920fs.
Identifiers: ClinVar variation 4888190 (VCV004888190.1).
Genomic context (GRCh38, chr4:539,170, plus strand): 5'-GTAAGTGGCATGTGCTAATACACATTTTCTTTCTTATTAACAGTGGTTCAGCACTGAGTC[ATGCT>A]TGCTTCTGCTACGCACTGATTTGTTCTATTCCAGTTTTCACGTACATCGTTTTGGTGACA-3'

ClinVar aggregate classification (germline): Likely pathogenic (1 of 4 stars; one submission).

Submission:

GeneDx
Classification: Likely pathogenic. Last evaluated: 2026-02-12. Review status: criteria provided, single submitter. Criteria: GeneDx Variant Classification Process June 2021. Collection method: clinical testing. Allele origin: germline.
Comment: Not observed at significant frequency in large population cohorts (gnomAD); Has not been previously published as pathogenic or benign to our knowledge; Frameshift variant predicted to result in abnormal protein length as the last 64 amino acids are replaced with 4 different amino acids, and other similar variants have been reported in HGMD